The following is an entry in ClinVar:

ClinVar aggregate classification (germline): Uncertain significance (1 of 4 stars; one submission).

Conditions:
Ehlers-Danlos syndrome, classic type, 1 (EDSCL1). Also called: Ehlers-Danlos Syndrome, Classic Type, COL5A1-Related; EDS I; Ehlers-Danlos syndrome, type 1; EHLERS-DANLOS SYNDROME, GRAVIS TYPE; EHLERS-DANLOS SYNDROME, SEVERE CLASSIC TYPE. Identifiers: MedGen C0268335, MONDO:0019567, OMIM 130000.

Submission:

Labcorp Genetics (formerly Invitae), Labcorp
Classification: Uncertain significance for Ehlers-Danlos syndrome, classic type, 1. Last evaluated: 2020-05-04. Review status: criteria provided, single submitter. Criteria: Invitae Variant Classification Sherloc (09022015). Collection method: clinical testing. Allele origin: germline.
Comment: Nucleotide substitutions within the consensus splice site are a relatively common cause of aberrant splicing (PMID: 17576681, 9536098). Algorithms developed to predict the effect of sequence changes on RNA splicing suggest that this variant may disrupt the consensus splice site, but this prediction has not been confirmed by published transcriptional studies. In summary, the available evidence is currently insufficient to determine the role of this variant in disease. Therefore, it has been classified as a Variant of Uncertain Significance. This variant has not been reported in the literature in individuals with COL5A1-related disease. This variant is not present in population databases (ExAC no frequency). This sequence change falls in intron 55 of the COL5A1 gene. It does not directly change the encoded amino acid sequence of the COL5A1 protein, but it affects a nucleotide within the consensus splice site of the intron.

Literature cited by the submitters: PubMed 17576681; PubMed 9536098.

NM_000093.5(COL5A1):c.4339-3C>G

Gene: COL5A1 (collagen type V alpha 1 chain; plus strand). Cytogenetic location: 9q34.3.
Variant type: single nucleotide variant.
Coding change: c.4339-3C>G on transcript NM_000093.5 (MANE Select); 3 bases into the intron before coding-DNA position 4339, C replaced by G.
Molecular consequence: intron variant.
Genome position (GRCh38, 1-based): chr9:134,818,845, C>G. VCF-style: chr9-134818845-C-G. GRCh37 (hg19) VCF-style: chr9-137710691-C-G.
Other names: c.4339-3C>G (NM_001278074.1).
Identifiers: ClinVar variation 575519 (VCV000575519.10), dbSNP rs545993723, ClinGen allele CA891843267.